The following is an entry in ClinVar:

ClinVar aggregate classification (germline): Uncertain significance. Review status: criteria provided, multiple submitters, no conflicts (2 of 4 stars). 3 submissions from 3 submitters: Uncertain significance (3). Last evaluated 2024-03-28.

Conditions:
RYR1-related disorder. Also called: RYR1-related disorders; RYR1-related condition. Identifiers: MedGen CN239331.
Malignant hyperthermia, susceptibility to, 1 (MHS1). Also called: Anesthesia related hyperthermia; Malignant hyperpyrexia; Fulminating hyperpyrexia; Pharmacogenic myopathy; RYR1-Related Malignant Hyperthermia Susceptibility; Malignant hyperthermia suceptibility 1. Identifiers: Orphanet 423, MedGen C2930980, MONDO:0007783, OMIM 145600.

Allele frequency attached by ClinVar (database versions not stated): TOPMed 0.00002.
gnomAD v4.1: 16 of 1,614,024 alleles (0.00099%); highest among the groups gnomAD compares: Non-Finnish European, 0.00017%; no homozygotes.

Submissions (3):

Color Diagnostics, LLC DBA Color Health
Classification: Uncertain significance for Malignant hyperthermia, susceptibility to, 1. Last evaluated: 2024-03-28. Review status: criteria provided, single submitter. Criteria: ACMG Guidelines, 2015. Collection method: clinical testing. Allele origin: germline.
Comment: This missense variant replaces serine with tryptophan at codon 3955 of the RYR1 protein. Computational prediction tool is inconclusive regarding the impact of this variant on protein structure and function. To our knowledge, functional studies have not been reported for this variant. This variant has not been reported in individuals affected with RYR1-related disorders in the literature. This variant has been identified in 5/251416 chromosomes in the general population by the Genome Aggregation Database (gnomAD). The available evidence is insufficient to determine the role of this variant in disease conclusively. Therefore, this variant is classified as a Variant of Uncertain Significance.

Labcorp Genetics (formerly Invitae), Labcorp
Classification: Uncertain significance for RYR1-related disorder. Last evaluated: 2022-05-25. Review status: criteria provided, single submitter. Criteria: Invitae Variant Classification Sherloc (09022015). Collection method: clinical testing. Allele origin: germline.
Comment: This sequence change replaces serine, which is neutral and polar, with tryptophan, which is neutral and slightly polar, at codon 3955 of the RYR1 protein (p.Ser3955Trp). This variant is present in population databases (rs751225696, gnomAD 0.04%). This variant has not been reported in the literature in individuals affected with RYR1-related conditions. ClinVar contains an entry for this variant (Variation ID: 590391). Algorithms developed to predict the effect of missense changes on protein structure and function (SIFT, PolyPhen-2, Align-GVGD) all suggest that this variant is likely to be tolerated. In summary, the available evidence is currently insufficient to determine the role of this variant in disease. Therefore, it has been classified as a Variant of Uncertain Significance.

PreventionGenetics, part of Exact Sciences
Classification: Uncertain significance. Last evaluated: 2016-06-13. Review status: criteria provided, single submitter. Criteria: ACMG Guidelines, 2015. Collection method: clinical testing. Allele origin: germline.

NM_000540.3(RYR1):c.11864C>G (p.Ser3955Trp)

Gene: RYR1 (ryanodine receptor 1; plus strand). Cytogenetic location: 19q13.2.
Variant type: single nucleotide variant.
Coding change: c.11864C>G on transcript NM_000540.3 (MANE Select); coding-DNA position 11864, C replaced by G.
Protein change: p.Ser3955Trp; replaces serine 3955 with tryptophan.
Molecular consequence: missense variant.
Genome position (GRCh38, 1-based): chr19:38,543,617, C>G. VCF-style: chr19-38543617-C-G. GRCh37 (hg19) VCF-style: chr19-39034257-C-G.
Other names: c.11849C>G, p.Ser3950Trp (NM_001042723.2); short protein forms S3955W, S3950W.
Identifiers: ClinVar variation 590391 (VCV000590391.4), dbSNP rs751225696, ClinGen allele CA057706.
Genomic context (GRCh38, chr19:38,543,617, plus strand): 5'-ACTACTCGGGCAAGGATGTCATTGAAGAGCAGGGCAAGAGGAACTTCTCCAAAGCCATGT[C>G]GGTGGCTAAGCAGGTGTTCAACAGCCTCACTGAGTACATCCAGGTAGGGCGCTCCCCCTG-3'
Protein context (NP_000531.2, residues 3945-3965): QGKRNFSKAM[Ser3955Trp]VAKQVFNSLT